The following is an entry in ClinVar:

ClinVar aggregate classification (germline): Uncertain significance (0 of 4 stars; one submission).

Conditions:
TTN-related disorder. Also called: TTN-related condition; TTN-related disease; TTN-related disorders.

Allele frequency attached by ClinVar (database versions not stated): TOPMed below 0.00001.

Submission:

PreventionGenetics, part of Exact Sciences
Classification: Uncertain significance for TTN-related condition. Last evaluated: 2023-11-27. Review status: no assertion criteria provided. Collection method: clinical testing. Allele origin: germline.
Comment: The TTN c.69448A>T variant is predicted to result in the amino acid substitution p.Asn23150Tyr. To our knowledge, this variant has not been reported in the literature or in a large population database, indicating this variant is rare. At this time, the clinical significance of this variant is uncertain due to the absence of conclusive functional and genetic evidence.

NM_001267550.2(TTN):c.69448A>T (p.Asn23150Tyr)

Genes: TTN (titin; minus strand), TTN-AS1 (TTN antisense RNA 1; plus strand). Cytogenetic location: 2q31.2.
Variant type: single nucleotide variant.
Coding change: c.69448A>T on transcript NM_001267550.2 (MANE Select); coding-DNA position 69448, A replaced by T.
Protein change: p.Asn23150Tyr; replaces asparagine 23150 with tyrosine.
Molecular consequence: missense variant.
Genome position (GRCh38, 1-based): chr2:178,576,796, T>A on the plus strand (A>T on the coding strand, the complement: TTN is on the minus strand). VCF-style: chr2-178576796-T-A. GRCh37 (hg19) VCF-style: chr2-179441523-T-A.
Other names: c.64525A>T, p.Asn21509Tyr (NM_001256850.1); c.42253A>T, p.Asn14085Tyr (NM_003319.4); c.61744A>T, p.Asn20582Tyr (NM_133378.4); c.42628A>T, p.Asn14210Tyr (NM_133432.3); c.42829A>T, p.Asn14277Tyr (NM_133437.4); short protein forms N14085Y, N14210Y, N14277Y, N20582Y, N21509Y, N23150Y.
Identifiers: ClinVar variation 3033735 (VCV003033735.2), dbSNP rs878894978, ClinGen allele CA61004217.